The following is an entry in ClinVar:

ClinVar aggregate classification (germline): Uncertain significance (1 of 4 stars; one submission).

Allele frequency attached by ClinVar (database versions not stated): gnomAD 0.00001; ExAC 0.00005.

Submission:

Labcorp Genetics (formerly Invitae), Labcorp
Classification: Uncertain significance. Last evaluated: 2023-09-29. Review status: criteria provided, single submitter. Criteria: Invitae Variant Classification Sherloc (09022015). Collection method: clinical testing. Allele origin: germline.
Comment: In summary, the available evidence is currently insufficient to determine the role of this variant in disease. Therefore, it has been classified as a Variant of Uncertain Significance. Advanced modeling of protein sequence and biophysical properties (such as structural, functional, and spatial information, amino acid conservation, physicochemical variation, residue mobility, and thermodynamic stability) performed at Invitae indicates that this missense variant is not expected to disrupt ROBO1 protein function. ClinVar contains an entry for this variant (Variation ID: 2080595). This variant has not been reported in the literature in individuals affected with ROBO1-related conditions. This variant is present in population databases (rs781036455, gnomAD 0.03%). This sequence change replaces methionine, which is neutral and non-polar, with valine, which is neutral and non-polar, at codon 11 of the ROBO1 protein (p.Met11Val).

NM_002941.4(ROBO1):c.31A>G (p.Met11Val)

Gene: ROBO1 (roundabout guidance receptor 1; minus strand). Cytogenetic location: 3p12.3.
Variant type: single nucleotide variant.
Coding change: c.31A>G on transcript NM_002941.4 (MANE Select); coding-DNA position 31, A replaced by G.
Protein change: p.Met11Val; replaces methionine 11 with valine.
Molecular consequence: missense variant.
Genome position (GRCh38, 1-based): chr3:79,589,881, T>C on the plus strand (A>G on the coding strand, the complement: ROBO1 is on the minus strand). VCF-style: chr3-79589881-T-C. GRCh37 (hg19) VCF-style: chr3-79639031-T-C.
Other names: short protein forms M11V.
Identifiers: ClinVar variation 2080595 (VCV002080595.4), dbSNP rs781036455, ClinGen allele CA2499424.